The following is an entry in ClinVar:

ClinVar aggregate classification (germline): Uncertain significance (1 of 4 stars; one submission).

Conditions:
Inborn genetic diseases. Identifiers: MedGen C0950123, MeSH D030342.

Submission:

Ambry Genetics
Classification: Uncertain significance for Inborn genetic diseases. Last evaluated: 2022-06-11. Review status: criteria provided, single submitter. Criteria: Ambry Variant Classification Scheme 2023. Collection method: clinical testing. Allele origin: germline.
Comment: The p.F2083Y variant (also known as c.6248T>A), located in coding exon 42 of the LRRK2 gene, results from a T to A substitution at nucleotide position 6248. The phenylalanine at codon 2083 is replaced by tyrosine, an amino acid with highly similar properties. This amino acid position is conserved. In addition, this alteration is predicted to be deleterious by in silico analysis. Since supporting evidence is limited at this time, the clinical significance of this alteration remains unclear.

NM_198578.4(LRRK2):c.6248T>A (p.Phe2083Tyr)

Gene: LRRK2 (leucine rich repeat kinase 2; plus strand). Cytogenetic location: 12q12.
Variant type: single nucleotide variant.
Coding change: c.6248T>A on transcript NM_198578.4 (MANE Select); coding-DNA position 6248, T replaced by A.
Protein change: p.Phe2083Tyr; replaces phenylalanine 2083 with tyrosine.
Molecular consequence: missense variant.
Genome position (GRCh38, 1-based): chr12:40,346,891, T>A. VCF-style: chr12-40346891-T-A. GRCh37 (hg19) VCF-style: chr12-40740693-T-A.
Other names: short protein forms F2083Y.
Identifiers: ClinVar variation 1752408 (VCV001752408.2), dbSNP rs1271455262, ClinGen allele CA384405632.
Genomic context (GRCh38, chr12:40,346,891, plus strand): 5'-TCTATGACATTTTGACAACTGGAGGTAGAATAGTAGAGGGTTTGAAGTTTCCAAATGAGT[T>A]TGATGAATTAGAAATACAAGGAAAATTACCTGGTAAGTTCTGTTTTCTCTACAATGAAGA-3'
Protein context (NP_940980.4, residues 2073-2093): IVEGLKFPNE[Phe2083Tyr]DELEIQGKLP